The following is an entry in ClinVar:

NM_001267550.2(TTN):c.102718_102719del (p.Thr34240fs)

Genes: TTN-AS1 (TTN antisense RNA 1; plus strand), TTN (titin; minus strand). Cytogenetic location: 2q31.2.
Variant type: Deletion.
Coding change: c.102718_102719del on transcript NM_001267550.2 (MANE Select); coding-DNA positions 102718 to 102719, 2 bases deleted (AC; older notation c.102718_102719delAC).
Protein change: p.Thr34240fs; shifts the reading frame from threonine 34240.
Molecular consequence: frameshift variant.
Genome position (GRCh38, 1-based): chr2:178,533,896-178,533,897, GT deleted on the plus strand (AC on the coding strand, the reverse complement: TTN is on the minus strand). VCF-style (leftmost placement, unchanged base first): chr2-178533895-GGT-G. GRCh37 (hg19) VCF-style: chr2-179398622-GGT-G.
Other names: c.102718_102719delAC (NM_001267550.2); c.97795_97796del, p.Thr32599fs (NM_001256850.1); c.75523_75524del, p.Thr25175fs (NM_003319.4); c.95014_95015del, p.Thr31672fs (NM_133378.4); c.75898_75899del, p.Thr25300fs (NM_133432.3); c.76099_76100del, p.Thr25367fs (NM_133437.4); short protein forms T25300fs, T25175fs, T25367fs, T32599fs, T34240fs, T31672fs.
Identifiers: ClinVar variation 570493 (VCV000570493.9), dbSNP rs1559031280, ClinGen allele CA891842578.

ClinVar aggregate classification (germline): Likely pathogenic (1 of 4 stars; one submission).

Conditions:
Dilated cardiomyopathy 1G (CMD1G). Identifiers: Orphanet 154, MedGen C1858763, MONDO:0011400, OMIM 604145.
Autosomal recessive limb-girdle muscular dystrophy type 2J (LGMDR10). Also called: Limb-girdle muscular dystrophy, type 2J; MUSCULAR DYSTROPHY, LIMB-GIRDLE, AUTOSOMAL RECESSIVE 10. Identifiers: Orphanet 140922, MedGen C1837342, MONDO:0012127, OMIM 608807.

Submission:

Labcorp Genetics (formerly Invitae), Labcorp
Classification: Likely pathogenic for Dilated cardiomyopathy 1G; Autosomal recessive limb-girdle muscular dystrophy type 2J. Last evaluated: 2023-12-06. Review status: criteria provided, single submitter. Criteria: Invitae Variant Classification Sherloc (09022015). Collection method: clinical testing. Allele origin: germline.
Comment: This sequence change creates a premature translational stop signal (p.Thr34240Hisfs*5) in the TTN gene. While this is not anticipated to result in nonsense mediated decay, it is expected to create a truncated TTN protein. This variant is not present in population databases (gnomAD no frequency). This premature translational stop signal has been observed in individual(s) with dilated cardiomyopathy (PMID: 35653365). This variant is also known as p.Thr34340hisfs*5. ClinVar contains an entry for this variant (Variation ID: 570493). This variant is located in the M band of TTN (PMID: 25589632). Truncating variants in this region have been previously reported in individuals affected with autosomal recessive myopathy and muscular dystrophy (PMID: 18948003, 23975875, 24395473). Truncating variants in this region have also been identified in individuals affected with autosomal dominant dilated cardiomyopathy and/or cardio-related conditions (PMID: 27869827, 32964742). In summary, the currently available evidence indicates that the variant is pathogenic, but additional data are needed to prove that conclusively. Therefore, this variant has been classified as Likely Pathogenic.

Literature cited by the submitters: PubMed 35653365; PubMed 25589632; PubMed 18948003; PubMed 23975875; PubMed 24395473; PubMed 27869827; PubMed 32964742.